The following is an entry in ClinVar:

ClinVar aggregate classification (germline): Uncertain significance (1 of 4 stars; one submission).

Allele frequency attached by ClinVar (database versions not stated): gnomAD exomes below 0.00001.
gnomAD v4.1: 5 of 1,211,772 alleles (0.00041%); highest among the groups gnomAD compares: East Asian, 0.003%; no homozygotes.

Submission:

Labcorp Genetics (formerly Invitae), Labcorp
Classification: Uncertain significance. Last evaluated: 2022-05-07. Review status: criteria provided, single submitter. Criteria: Invitae Variant Classification Sherloc (09022015). Collection method: clinical testing. Allele origin: germline.
Comment: The frequency data for this variant in the population databases is considered unreliable, as metrics indicate poor data quality at this position in the gnomAD database. In summary, the available evidence is currently insufficient to determine the role of this variant in disease. Therefore, it has been classified as a Variant of Uncertain Significance. Algorithms developed to predict the effect of missense changes on protein structure and function (SIFT, PolyPhen-2, Align-GVGD) all suggest that this variant is likely to be tolerated. This variant has not been reported in the literature in individuals affected with DRP2-related conditions. This sequence change replaces alanine, which is neutral and non-polar, with threonine, which is neutral and polar, at codon 715 of the DRP2 protein (p.Ala715Thr).

NM_001939.3(DRP2):c.2143G>A (p.Ala715Thr)

Gene: DRP2 (dystrophin related protein 2; plus strand). Cytogenetic location: Xq22.1.
Variant type: single nucleotide variant.
Coding change: c.2143G>A on transcript NM_001939.3 (MANE Select); coding-DNA position 2143, G replaced by A.
Protein change: p.Ala715Thr; replaces alanine 715 with threonine.
Molecular consequence: missense variant.
Genome position (GRCh38, 1-based): chrX:101,254,887, G>A. VCF-style: chrX-101254887-G-A. GRCh37 (hg19) VCF-style: chrX-100509876-G-A.
Other names: c.1909G>A, p.Ala637Thr (NM_001171184.2); short protein forms A715T, A637T.
Identifiers: ClinVar variation 2168474 (VCV002168474.4), dbSNP rs201156733, ClinGen allele CA333091923.